The following is an entry in ClinVar:

ClinVar aggregate classification (germline): Pathogenic. Review status: reviewed by expert panel (3 of 4 stars). 36 submissions from 36 submitters: Pathogenic (1). 35 of the submissions do not count toward it. Last evaluated 2016-12-15.

Conditions:
MYH7-related disorder. Also called: MYH7-related disorders; MYH7-related condition; MYH7-related disease.
MYH7-related skeletal myopathy. Also called: Myopathy, distal, 1; MYOPATHY, DISTAL, EARLY-ONSET, AUTOSOMAL DOMINANT; MYOPATHY, LATE DISTAL HEREDITARY; Laing distal myopathy; Laing early-onset distal myopathy. Identifiers: Orphanet 59135, MedGen C4552004, MONDO:0008050, OMIM 160500.
Dilated cardiomyopathy 1S (CMD1S). Identifiers: Orphanet 154, Orphanet 54260, MedGen C1834481, MONDO:0013262, OMIM 613426.
Myopathy, myosin storage, autosomal recessive (CMYO7B). Also called: CONGENITAL MYOPATHY 7B, MYOSIN STORAGE, AUTOSOMAL RECESSIVE. Identifiers: Orphanet 636970, MedGen C1850709, MONDO:0009708, OMIM 255160.
Hypertrophic cardiomyopathy 1 (CMH1). Also called: Familial hypertrophic cardiomyopathy 1; MYH7-Related Familial Hypertrophic Cardiomyopathy. Identifiers: MedGen C3495498, MONDO:0008647, OMIM 192600.
Myosin storage myopathy (CMYO7A). Also called: MYH7-related late-onset scapuloperoneal muscular dystrophy; Congenital myopathy 7A, myosin storage, autosomal dominant; Scapuloperoneal myopathy, MYH7-related; MYOPATHY WITH LYSIS OF TYPE I MYOFIBRILS; SCAPULOPERONEAL MUSCULAR DYSTROPHY; SCAPULOPERONEAL SYNDROME, MYOPATHIC TYPE. Identifiers: Orphanet 437572, Orphanet 636965, MedGen C1842160, MONDO:0008409, OMIM 608358.
Congenital myopathy with fiber type disproportion. Also called: Congenital fiber-type disproportion myopathy; Congenital fiber-type disproportion. Identifiers: Orphanet 2020, MedGen C0546264, MONDO:0009711. Inheritance: all.
Cardiovascular phenotype. Identifiers: MedGen CN230736.
Cardiomyopathy (CMYO). Also called: Cardiomyopathies. Identifiers: Orphanet 167848, MedGen C0878544, MONDO:0004994, HP:0001638. Inheritance: Various modes of inheritance.
Primary familial hypertrophic cardiomyopathy (HCM). Identifiers: Orphanet 99739, MedGen C0949658, MeSH D024741, MONDO:0024573. Inheritance: Various modes of inheritance.
Hypertrophic cardiomyopathy. Also called: HYPERTROPHIC MYOCARDIOPATHY. Identifiers: Orphanet 217569, MedGen C0007194, MeSH D002312, MONDO:0005045, HP:0001639.

Allele frequency attached by ClinVar (database versions not stated): gnomAD exomes 0.00001; gnomAD 0.00005 and 0.00004; ESP Exome Variant Server 0.00008; ExAC 0.00002; TOPMed 0.00004.
gnomAD v4.1: 16 of 1,613,626 alleles (0.00099%); highest among the groups gnomAD compares: East Asian, 0.0022%; no homozygotes.

Submissions 1 to 8 of 36:

ClinGen Cardiomyopathy Variant Curation Expert Panel
Classification: Pathogenic for Hypertrophic cardiomyopathy. Last evaluated: 2016-12-15. Review status: reviewed by expert panel. Criteria: ClinGen CMP ACMG Specifications v1. Collection method: curation. Allele origin: germline. Inheritance: Autosomal dominant inheritance.
Comment: The c.1988G>A (p.Arg663His) variant in MYH7 has been reported in >30 individuals with hypertrophic cardiomyopathy (PS4; PMID:27532257; PMID:10750581; PMID:11133230; PMID:12707239; PMID:15563892; PMID:16199542; PMID:15358028; AGCMC Sydney ClinVar SCV000212629.1; Invitae ClinVar SCV000219103.7; Partners LMM ClinVar SCV000059409.5; SHaRe consortium, PMID: 30297972). This variant segregated with disease in >15 affected individuals (PP1_Strong; PMID:10750581; Partners LMM ClinVar SCV000059409.5; SHaRe consortium, PMID: 30297972). This variant was identified in 2/66718 European chromosomes (PM2). This variant lies in the head region of the protein (aa 181-937) and missense variants in this region are statistically more likely to be disease-associated (PM1; PMID:27532257). In summary, this variant meets criteria to be classified as pathogenic for hypertrophic cardiomyopathy in an autosomal dominant manner. MYH7-specific ACMG/AMP criteria applied (PMID:29300372): PS4; PP1_ Strong; PM1; PM2

PreventionGenetics, part of Exact Sciences
Classification: Pathogenic for MYH7-related condition. Last evaluated: 2026-08-27. Review status: criteria provided, single submitter. Criteria: ACMG Guidelines, 2015. Collection method: clinical testing. Allele origin: germline. Not counted in ClinVar's aggregate classification.
Comment: The MYH7 c.1988G>A variant is predicted to result in the amino acid substitution p.Arg663His. This variant has been reported in multiple unrelated individuals with hypertrophic cardiomyopathy (HCM) and has been observed to segregate with HCM in multiple families (Gruver et al. 1999. PubMed ID: 10750581; Richard et al. 2003. PubMed ID: 12707239; Van Driest et al. 2004. PubMed ID: 15358028; Lan et al. 2013. PubMed ID: 23290139). This variant is reported in 0.0031% of alleles in individuals of European (Non-Finnish) descent in gnomAD. The ClinGen Cardiomyopathy Variant Curation Expert Panel interprets this variant as pathogenic for autosomal dominant HCM (Variation ID: 42875). Alternate nucleotide changes affecting the same amino acid (p.Arg663Ser and p.Arg663Cys) have also been reported to be associated with HCM (Richard et al. 2003. PubMed ID: 12707239; Van Driest et al. 2004. PubMed ID: 15358028). The c.1988G>A (p.Arg663His) variant is interpreted as pathogenic.

Institute of Immunology and Genetics Kaiserslautern
Classification: Pathogenic for Hypertrophic cardiomyopathy 1. Last evaluated: 2026-01-27. Review status: criteria provided, single submitter. Criteria: ACMG Guidelines, 2015. Collection method: clinical testing. Allele origin: germline. Affected: yes. Not counted in ClinVar's aggregate classification.
Comment: ACMG Criteria: PS4, PM1, PM2_P, PM5, PP3; Variant was found in heterozygous state.

Labcorp Genetics (formerly Invitae), Labcorp
Classification: Pathogenic for Hypertrophic cardiomyopathy. Last evaluated: 2026-01-25. Review status: criteria provided, single submitter. Criteria: Invitae Variant Classification Sherloc (09022015). Collection method: clinical testing. Allele origin: germline. Not counted in ClinVar's aggregate classification.
Comment: This sequence change replaces arginine, which is basic and polar, with histidine, which is basic and polar, at codon 663 of the MYH7 protein (p.Arg663His). This variant is present in population databases (rs371898076, gnomAD 0.003%). This missense change has been observed in individuals with hypertrophic cardiomyopathy (PMID: 10750581, 11133230, 12707239, 12820698, 15358028, 15563892, 16199542, 23283745, 23290139, 23396983, 26914223). It has also been observed to segregate with disease in related individuals. ClinVar contains an entry for this variant (Variation ID: 42875). Invitae Evidence Modeling of protein sequence and biophysical properties (such as structural, functional, and spatial information, amino acid conservation, physicochemical variation, residue mobility, and thermodynamic stability) indicates that this missense variant is expected to disrupt MYH7 protein function with a positive predictive value of 95%. This variant disrupts the p.Arg663 amino acid residue in MYH7. Other variant(s) that disrupt this residue have been determined to be pathogenic (PMID: 15358028, 15563892, 15858117, 18383048, 20800588, 22112859, 23233322, 23283745, 23690394). This suggests that this residue is clinically significant, and that variants that disrupt this residue are likely to be disease-causing. For these reasons, this variant has been classified as Pathogenic.

Molecular Diagnostic Laboratory for Inherited Cardiovascular Disease, Montreal Heart Institute
Classification: Pathogenic for Cardiovascular phenotype. Last evaluated: 2025-12-09. Review status: criteria provided, single submitter. Criteria: ACMG Guidelines, 2015. Collection method: clinical testing. Allele origin: germline. Affected: yes. Not counted in ClinVar's aggregate classification.

Victorian Clinical Genetics Services, Murdoch Childrens Research Institute
Classification: Pathogenic for Hypertrophic cardiomyopathy 1. Last evaluated: 2025-09-18. Review status: criteria provided, single submitter. Criteria: ACMG Guidelines, 2015. Collection method: clinical testing. Allele origin: germline. Affected: yes. Not counted in ClinVar's aggregate classification.
Comment: This variant is classified as Pathogenic. Evidence in support of pathogenic classification: Variant is present in gnomAD <0.01 (v4: 16 heterozygote(s), 0 homozygote(s)); This variant has very strong previous evidence of pathogenicity in unrelated individuals. It has been classified as pathogenic by the ClinGen Cardiomyopathy Variant Curation Expert Panel for autosomal dominant HCM (ClinVar); Variant is located in a hotspot region or cluster of pathogenic variants. This variant is found within the head region, which is enriched with pathogenic missense variants (PMID: 29300372). Additional information: Variant is predicted to result in a missense amino acid change from Arg to His; This variant is heterozygous; This gene is associated with both recessive and dominant disease. Disease associated with this gene usually has autosomal dominant inheritance; however, a recessive inheritance pattern has been observed in severe cases (OMIM); Alternative amino acid change(s) at the same position are present in gnomAD (Highest alelle count: v4: 3 heterozygote(s), 0 homozygote(s)); The mechanism of disease for this gene is not clearly established; however, missense variants have been proposed to act in a dominant negative manner (PMID: 24714796); The condition associated with this gene has incomplete penetrance (PMID: 29300372); Inheritance information for this variant is not currently available in this individual.

Revvity Omics, Revvity
Classification: Pathogenic. Last evaluated: 2025-04-16. Review status: criteria provided, single submitter. Criteria: ACMG Guidelines, 2015. Collection method: clinical testing. Allele origin: germline. Not counted in ClinVar's aggregate classification.

Blueprint Genetics
Classification: Pathogenic for MYH7-related disorders. Last evaluated: 2024-10-25. Review status: criteria provided, single submitter. Criteria: ACMG Guidelines, 2015. Collection method: clinical testing. Allele origin: germline. Affected: yes. Observed: 5 variant alleles. Not counted in ClinVar's aggregate classification.

NM_000257.4(MYH7):c.1988G>A (p.Arg663His)

Gene: MYH7 (myosin heavy chain 7; minus strand). Cytogenetic location: 14q11.2.
Variant type: single nucleotide variant.
Coding change: c.1988G>A on transcript NM_000257.4 (MANE Select); coding-DNA position 1988, G replaced by A.
Protein change: p.Arg663His; replaces arginine 663 with histidine.
Molecular consequence: missense variant.
Genome position (GRCh38, 1-based): chr14:23,426,833, C>T on the plus strand (G>A on the coding strand, the complement: MYH7 is on the minus strand). VCF-style: chr14-23426833-C-T. GRCh37 (hg19) VCF-style: chr14-23896042-C-T.
Other names: p.R663H:CGC>CAC; NM_000257.3(MYH7):c.1988G>A; short protein forms R663H.
Identifiers: ClinVar variation 42875 (VCV000042875.65), dbSNP rs371898076, ClinGen allele CA011552.